The following is an entry in ClinVar:

ClinVar aggregate classification (germline): Uncertain significance (1 of 4 stars; one submission).

Conditions:
Propionic acidemia (PROP). Also called: GLYCINEMIA, KETOTIC; HYPERGLYCINEMIA WITH KETOACIDOSIS AND LEUKOPENIA; KETOTIC HYPERGLYCINEMIA. Identifiers: Orphanet 35, MedGen C0268579, MONDO:0011628, OMIM 606054, HP:0003571.

Submission:

Labcorp Genetics (formerly Invitae), Labcorp
Classification: Uncertain significance for Propionic acidemia. Last evaluated: 2022-03-29. Review status: criteria provided, single submitter. Criteria: Invitae Variant Classification Sherloc (09022015). Collection method: clinical testing. Allele origin: germline.
Comment: This sequence change replaces valine, which is neutral and non-polar, with isoleucine, which is neutral and non-polar, at codon 189 of the PCCB protein (p.Val189Ile). This variant is not present in population databases (gnomAD no frequency). This variant has not been reported in the literature in individuals affected with PCCB-related conditions. Algorithms developed to predict the effect of missense changes on protein structure and function are either unavailable or do not agree on the potential impact of this missense change (SIFT: "Tolerated"; PolyPhen-2: "Possibly Damaging"; Align-GVGD: "Class C0"). In summary, the available evidence is currently insufficient to determine the role of this variant in disease. Therefore, it has been classified as a Variant of Uncertain Significance.

NM_000532.5(PCCB):c.565G>A (p.Val189Ile)

Gene: PCCB (propionyl-CoA carboxylase subunit beta; plus strand). Cytogenetic location: 3q22.3.
Variant type: single nucleotide variant.
Coding change: c.565G>A on transcript NM_000532.5 (MANE Select); coding-DNA position 565, G replaced by A.
Protein change: p.Val189Ile; replaces valine 189 with isoleucine.
Molecular consequence: missense variant.
Genome position (GRCh38, 1-based): chr3:136,283,858, G>A. VCF-style: chr3-136283858-G-A. GRCh37 (hg19) VCF-style: chr3-136002700-G-A.
Other names: c.625G>A, p.Val209Ile (NM_001178014.2); short protein forms V189I, V209I.
Identifiers: ClinVar variation 1510653 (VCV001510653.5), dbSNP rs2108181880, ClinGen allele CA354641804.
Genomic context (GRCh38, chr3:136,283,858, plus strand): 5'-TCTCTGTAACCAGATGCTTTTGCTTTTCTGTTTTGGCAGAGGAATGTTACGGCATCCGGA[G>A]TCATCCCTCAGATTTCTCTGATCATGGGCCCATGTGCTGGTGGGGCCGTCTACTCCCCAG-3'
Protein context (NP_000523.2, residues 179-199): IFLRNVTASG[Val189Ile]IPQISLIMGP